The following is an entry in ClinVar:

ClinVar aggregate classification (germline): Benign/Likely benign. Review status: criteria provided, multiple submitters, no conflicts (2 of 4 stars). 3 submissions from 3 submitters: Benign (1); Likely benign (2). Last evaluated 2025-04-10.

Conditions:
Tuberous sclerosis 1 (TSC1). Identifiers: Orphanet 805, MedGen C1854465, MONDO:0008612, OMIM 191100.
Hereditary cancer-predisposing syndrome. Also called: Hereditary neoplastic syndrome; Neoplastic Syndromes, Hereditary; Tumor predisposition; Hereditary Cancer Syndrome. Identifiers: Orphanet 140162, MedGen C0027672, MeSH D009386, MONDO:0015356.

Submissions (3):

Myriad Genetics, Inc.
Classification: Benign for Tuberous sclerosis 1. Last evaluated: 2025-04-10. Review status: criteria provided, single submitter. Criteria: Myriad Autosomal Dominant, Autosomal Recessive and X-Linked Classification Criteria (2023). Collection method: clinical testing. Allele origin: unknown.
Comment: This variant is considered benign. This variant is a silent/synonymous amino acid change and it is not expected to impact splicing.

Labcorp Genetics (formerly Invitae), Labcorp
Classification: Likely benign for Tuberous sclerosis 1. Last evaluated: 2025-01-23. Review status: criteria provided, single submitter. Criteria: Invitae Variant Classification Sherloc (09022015). Collection method: clinical testing. Allele origin: germline.

Ambry Genetics
Classification: Likely benign for Hereditary cancer-predisposing syndrome. Last evaluated: 2023-08-18. Review status: criteria provided, single submitter. Criteria: Ambry Variant Classification Scheme 2023. Collection method: clinical testing. Allele origin: germline.

NM_000368.5(TSC1):c.1863C>T (p.Ile621=)

Gene: TSC1 (TSC complex subunit 1; minus strand). Cytogenetic location: 9q34.13.
Variant type: single nucleotide variant.
Coding change: c.1863C>T on transcript NM_000368.5 (MANE Select); coding-DNA position 1863, C replaced by T.
Protein change: p.Ile621=; no amino-acid change (isoleucine 621 retained).
Molecular consequence: synonymous variant.
Genome position (GRCh38, 1-based): chr9:132,905,715, G>A on the plus strand (C>T on the coding strand, the complement: TSC1 is on the minus strand). VCF-style: chr9-132905715-G-A. GRCh37 (hg19) VCF-style: chr9-135781102-G-A.
Other names: c.1860C>T, p.Ile620= (NM_001162426.2); c.1710C>T, p.Ile570= (NM_001162427.2); c.1500C>T, p.Ile500= (NM_001362177.2).
Identifiers: ClinVar variation 466044 (VCV000466044.11), dbSNP rs898222579, ClinGen allele CA200888292.